The following is an entry in ClinVar:

NM_006371.5(CRTAP):c.50T>A (p.Val17Glu)

Genes: CRTAP (cartilage associated protein; plus strand), LOC129936436 (ATAC-STARR-seq lymphoblastoid silent region 14183; plus strand). Cytogenetic location: 3p22.3.
Variant type: single nucleotide variant.
Coding change: c.50T>A on transcript NM_006371.5 (MANE Select); coding-DNA position 50, T replaced by A.
Protein change: p.Val17Glu; replaces valine 17 with glutamic acid.
Molecular consequence: missense variant.
Genome position (GRCh38, 1-based): chr3:33,114,127, T>A. VCF-style: chr3-33114127-T-A. GRCh37 (hg19) VCF-style: chr3-33155619-T-A.
Other names: c.50T>A, p.Val17Glu (NM_001393363.1, NM_001393364.1, NM_001393365.1); short protein forms V17E.
Identifiers: ClinVar variation 1483532 (VCV001483532.5), dbSNP rs1701308393, ClinGen allele CA352008057.

ClinVar aggregate classification (germline): Uncertain significance (1 of 4 stars; one submission).

Conditions:
Osteogenesis imperfecta type 7 (OI7). Also called: OI type 7; OI type VII; OSTEOGENESIS IMPERFECTA, TYPE IIB; Osteogenesis imperfecta type 2B; OI type 2B; Osteogenesis imperfecta, perinatal lethal autosomal recessive. Identifiers: MedGen C1853162, MONDO:0012536, OMIM 610682.

Submission:

Labcorp Genetics (formerly Invitae), Labcorp
Classification: Uncertain significance for Osteogenesis imperfecta type 7. Last evaluated: 2021-09-24. Review status: criteria provided, single submitter. Criteria: Invitae Variant Classification Sherloc (09022015). Collection method: clinical testing. Allele origin: germline.
Comment: This sequence change replaces valine with glutamic acid at codon 17 of the CRTAP protein (p.Val17Glu). The valine residue is weakly conserved and there is a moderate physicochemical difference between valine and glutamic acid. This variant is not present in population databases (ExAC no frequency). This variant has not been reported in the literature in individuals with CRTAP-related conditions. Algorithms developed to predict the effect of missense changes on protein structure and function are either unavailable or do not agree on the potential impact of this missense change (SIFT: "Deleterious"; PolyPhen-2: "Not Available"; Align-GVGD: "Class C0"). In summary, the available evidence is currently insufficient to determine the role of this variant in disease. Therefore, it has been classified as a Variant of Uncertain Significance.